The following is an entry in ClinVar:

ClinVar aggregate classification (germline): Uncertain significance (1 of 4 stars; one submission).

Conditions:
Inborn genetic diseases. Identifiers: MedGen C0950123, MeSH D030342.

gnomAD v4.1: 1 of 1,613,890 alleles (0.000062%); highest among the groups gnomAD compares: Non-Finnish European, 0.000085%; no homozygotes.

Submission:

Ambry Genetics
Classification: Uncertain significance for Inborn genetic diseases. Last evaluated: 2025-05-02. Review status: criteria provided, single submitter. Criteria: Ambry Variant Classification Scheme 2023. Collection method: clinical testing. Allele origin: germline.
Comment: The p.V1095I variant (also known as c.3283G>A), located in coding exon 14 of the FANCM gene, results from a G to A substitution at nucleotide position 3283. The valine at codon 1095 is replaced by isoleucine, an amino acid with highly similar properties. This amino acid position is conserved. In addition, this alteration is predicted to be tolerated by in silico analysis. Based on the available evidence, the clinical significance of this variant remains unclear.

NM_020937.4(FANCM):c.3283G>A (p.Val1095Ile)

Gene: FANCM (FA complementation group M; plus strand). Cytogenetic location: 14q21.2.
Variant type: single nucleotide variant.
Coding change: c.3283G>A on transcript NM_020937.4 (MANE Select); coding-DNA position 3283, G replaced by A.
Protein change: p.Val1095Ile; replaces valine 1095 with isoleucine.
Molecular consequence: missense variant.
Genome position (GRCh38, 1-based): chr14:45,176,037, G>A. VCF-style: chr14-45176037-G-A. GRCh37 (hg19) VCF-style: chr14-45645240-G-A.
Other names: c.3205G>A, p.Val1069Ile (NM_001308133.2); short protein forms V1095I, V1069I.
Identifiers: ClinVar variation 4022737 (VCV004022737.1).